The following is an entry in ClinVar:

ClinVar aggregate classification (germline): Likely pathogenic (1 of 4 stars; one submission).

Submission:

Dasa
Classification: Likely pathogenic. Last evaluated: 2024-12-06. Review status: criteria provided, single submitter. Criteria: DASA Assertion Criteria. Collection method: clinical testing. Allele origin: germline.
Comment: NM_000383.4(AIRE):c.1141_1145dup (p.Glu383Leufs*5) is a frameshift variant in AIRE predicted to alter the reading frame and introduce a premature termination codon and is predicted to result in an absent or altered protein product. Loss of function is an established disease mechanism for AIRE-associated disorders. Also, this variant is absent from population databases. Based on the currently available evidence, this variant is classified as likely pathogenic.

NM_000383.4(AIRE):c.1141_1145dup (p.Glu383fs)

Gene: AIRE (autoimmune regulator; plus strand). Cytogenetic location: 21q22.3.
Variant type: Duplication.
Coding change: c.1141_1145dup on transcript NM_000383.4 (MANE Select); coding-DNA positions 1141 to 1145, 5 bases duplicated (CCTGG; older notation c.1141_1145dupCCTGG).
Protein change: p.Glu383fs; shifts the reading frame from glutamic acid 383.
Molecular consequence: frameshift variant.
Genome position (GRCh38, 1-based): chr21:44,293,038-44,293,042, CCTGG duplicated. VCF-style (leftmost placement, unchanged base first): chr21-44293037-A-ACCTGG. GRCh37 (hg19) VCF-style: chr21-45712920-A-ACCTGG.
Other names: short protein forms E383fs.
Identifiers: ClinVar variation 4852653 (VCV004852653.2).